The following is an entry in ClinVar:

ClinVar aggregate classification (germline): Benign. Review status: criteria provided, multiple submitters, no conflicts (2 of 4 stars). 6 submissions from 6 submitters: Benign (6). Last evaluated 2026-02-04.

Conditions:
Fraser syndrome 1 (FRASRS1). Also called: CRYPTOPHTHALMOS WITH OTHER MALFORMATIONS. Identifiers: Orphanet 2052, MedGen C4551480, MONDO:0054737, OMIM 219000.

Allele frequency attached by ClinVar (database versions not stated): gnomAD exomes 0.10537 and 0.11785; ESP Exome Variant Server 0.12042; TOPMed 0.12587; gnomAD 0.12788 and 0.12812; 1000 Genomes Project 30x 0.14413; 1000 Genomes Project 0.14537; ExAC 0.17616.
gnomAD v4.1: 172,654 of 1,598,906 alleles (11%); highest among the groups gnomAD compares: East Asian, 21%; 10,137 homozygotes.

Submissions (6):

Labcorp Genetics (formerly Invitae), Labcorp
Classification: Benign. Last evaluated: 2026-02-04. Review status: criteria provided, single submitter. Criteria: Invitae Variant Classification Sherloc (09022015). Collection method: clinical testing. Allele origin: germline.

Blueprint Genetics
Classification: Benign. Last evaluated: 2024-11-26. Review status: criteria provided, single submitter. Criteria: ACMG Guidelines, 2015. Collection method: clinical testing. Allele origin: germline.

Mayo Clinic Laboratories, Mayo Clinic
Classification: Benign. Last evaluated: 2022-03-09. Review status: criteria provided, single submitter. Criteria: ACMG Guidelines, 2015. Collection method: clinical testing. Allele origin: germline. Observed: 21 variant alleles.

Illumina Laboratory Services, Illumina
Classification: Benign for Fraser syndrome 1. Last evaluated: 2018-01-12. Review status: criteria provided, single submitter. Criteria: ICSL Variant Classification Criteria 13 December 2019. Collection method: clinical testing. Allele origin: germline.
Comment: This variant was observed in the ICSL laboratory as part of a predisposition screen in an ostensibly healthy population. It had not been previously curated by ICSL or reported in the Human Gene Mutation Database (HGMD: prior to June 1st, 2018), and was therefore a candidate for classification through an automated scoring system. Utilizing variant allele frequency, disease prevalence and penetrance estimates, and inheritance mode, an automated score was calculated to assess if this variant is too frequent to cause the disease. Based on the score and internal cut-off values, a variant classified as benign is not then subjected to further curation. The score for this variant resulted in a classification of benign for this disease.

Breakthrough Genomics
Classification: Benign. Review status: criteria provided, single submitter. Criteria: ACMG Guidelines, 2015. Collection method: not provided. Allele origin: germline. Inheritance: Autosomal recessive inheritance. Affected: yes.

PreventionGenetics, part of Exact Sciences
Classification: Benign. Review status: criteria provided, single submitter. Criteria: ACMG Guidelines, 2015. Collection method: clinical testing. Allele origin: germline.

NM_025074.7(FRAS1):c.10877T>C (p.Val3626Ala)

Gene: FRAS1 (Fraser extracellular matrix complex subunit 1; plus strand). Cytogenetic location: 4q21.21.
Variant type: single nucleotide variant.
Coding change: c.10877T>C on transcript NM_025074.7 (MANE Select); coding-DNA position 10877, T replaced by C.
Protein change: p.Val3626Ala; replaces valine 3626 with alanine.
Molecular consequence: missense variant.
Genome position (GRCh38, 1-based): chr4:78,526,609, T>C. VCF-style: chr4-78526609-T-C. GRCh37 (hg19) VCF-style: chr4-79447763-T-C.
Other names: p.Val3626Ala; short protein forms V3626A.
Identifiers: ClinVar variation 261799 (VCV000261799.16), dbSNP rs34670941, ClinGen allele CA2979092.